The following is an entry in ClinVar:

NM_000814.6(GABRB3):c.860C>T (p.Thr287Ile)

Gene: GABRB3 (gamma-aminobutyric acid type A receptor subunit beta3; minus strand). Cytogenetic location: 15q12.
Variant type: single nucleotide variant.
Coding change: c.860C>T on transcript NM_000814.6 (MANE Select); coding-DNA position 860, C replaced by T.
Protein change: p.Thr287Ile; replaces threonine 287 with isoleucine.
Molecular consequence: missense variant.
Genome position (GRCh38, 1-based): chr15:26,561,152, G>A on the plus strand (C>T on the coding strand, the complement: GABRB3 is on the minus strand). VCF-style: chr15-26561152-G-A. GRCh37 (hg19) VCF-style: chr15-26806299-G-A.
Other names: c.605C>T, p.Thr202Ile (NM_001191320.2, NM_001278631.2); c.647C>T, p.Thr216Ile (NM_001191321.3); c.860C>T, p.Thr287Ile (NM_021912.5); short protein forms T287I, T202I, T216I.
Identifiers: ClinVar variation 1453717 (VCV001453717.9), dbSNP rs1595440448, ClinGen allele CA391462328.

ClinVar aggregate classification (germline): Pathogenic. Review status: criteria provided, single submitter (1 of 4 stars). 2 submissions from 2 submitters: Pathogenic (1). 1 of the submissions does not count toward it. Last evaluated 2022-04-06.

Conditions:
Epilepsy, childhood absence, susceptibility to, 1. Also called: Epilepsy, childhood absence 1. Identifiers: Orphanet 64280, MedGen C1838604, MONDO:0020759, OMIM 600131.
Epilepsy, childhood absence, susceptibility to, 5. Identifiers: Orphanet 64280, MedGen C2677087, MONDO:0012843, OMIM 612269.
Developmental and epileptic encephalopathy, 43 (DEE43). Also called: Epileptic encephalopathy, early infantile, 43. Identifiers: MedGen C4310712, MONDO:0014921, OMIM 617113.

Submissions (2):

Labcorp Genetics (formerly Invitae), Labcorp
Classification: Pathogenic for Epilepsy, childhood absence, susceptibility to, 5; Epilepsy, childhood absence, susceptibility to, 1. Last evaluated: 2022-04-06. Review status: criteria provided, single submitter. Criteria: Invitae Variant Classification Sherloc (09022015). Collection method: clinical testing. Allele origin: germline.
Comment: For these reasons, this variant has been classified as Pathogenic. Advanced modeling of protein sequence and biophysical properties (such as structural, functional, and spatial information, amino acid conservation, physicochemical variation, residue mobility, and thermodynamic stability) performed at Invitae indicates that this missense variant is expected to disrupt GABRB3 protein function. This missense change has been observed in individual(s) with early infantile epileptic encephalopathy (PMID: 26645412, 26993267). In at least one individual the variant was observed to be de novo. This variant is not present in population databases (gnomAD no frequency). This sequence change replaces threonine, which is neutral and polar, with isoleucine, which is neutral and non-polar, at codon 287 of the GABRB3 protein (p.Thr287Ile).

OMIM
Classification: Pathogenic for DEVELOPMENTAL AND EPILEPTIC ENCEPHALOPATHY 43. Last evaluated: 2022-11-14. Review status: no assertion criteria provided. Collection method: literature only. Allele origin: germline. Not counted in ClinVar's aggregate classification.

Literature cited by the submitters: PubMed 26645412 (cited by Labcorp Genetics (formerly Invitae), Labcorp and OMIM); PubMed 26993267 (cited by Labcorp Genetics (formerly Invitae), Labcorp).